The following is an entry in ClinVar:

ClinVar aggregate classification (germline): Uncertain significance. Review status: criteria provided, multiple submitters, no conflicts (2 of 4 stars). 2 submissions from 2 submitters: Uncertain significance (2). Last evaluated 2024-11-19.

Conditions:
Cornelia de Lange syndrome 1 (CDLS1). Also called: TYPUS DEGENERATIVUS AMSTELODAMENSIS; NIPBL-Related Cornelia de Lange Syndrome; Brachmann de Lange syndrome. Identifiers: Orphanet 199, MedGen C4551851, MONDO:0007387, OMIM 122470.

Allele frequency attached by ClinVar (database versions not stated): gnomAD 0.00001; gnomAD exomes 0.00001; TOPMed 0.00001; ExAC 0.00002.
gnomAD v4.1: 4 of 1,613,714 alleles (0.00025%); highest among the groups gnomAD compares: Admixed American, 0.005%; no homozygotes.

Submissions (2):

Labcorp Genetics (formerly Invitae), Labcorp
Classification: Uncertain significance for Cornelia de Lange syndrome 1. Last evaluated: 2024-11-19. Review status: criteria provided, single submitter. Criteria: Invitae Variant Classification Sherloc (09022015). Collection method: clinical testing. Allele origin: germline.
Comment: This sequence change replaces threonine, which is neutral and polar, with isoleucine, which is neutral and non-polar, at codon 450 of the NIPBL protein (p.Thr450Ile). This variant is present in population databases (rs759134070, gnomAD 0.006%). This variant has not been reported in the literature in individuals affected with NIPBL-related conditions. ClinVar contains an entry for this variant (Variation ID: 2180990). Invitae Evidence Modeling of protein sequence and biophysical properties (such as structural, functional, and spatial information, amino acid conservation, physicochemical variation, residue mobility, and thermodynamic stability) has been performed for this missense variant. However, the output from this modeling did not meet the statistical confidence thresholds required to predict the impact of this variant on NIPBL protein function. In summary, the available evidence is currently insufficient to determine the role of this variant in disease. Therefore, it has been classified as a Variant of Uncertain Significance.

Fulgent Genetics
Classification: Uncertain significance for Cornelia de Lange syndrome 1. Last evaluated: 2024-02-27. Review status: criteria provided, single submitter. Criteria: ACMG Guidelines, 2015. Collection method: clinical testing. Allele origin: germline.

NM_133433.4(NIPBL):c.1349C>T (p.Thr450Ile)

Gene: NIPBL (NIPBL cohesin loading factor; plus strand). Cytogenetic location: 5p13.2.
Variant type: single nucleotide variant.
Coding change: c.1349C>T on transcript NM_133433.4 (MANE Select); coding-DNA position 1349, C replaced by T.
Protein change: p.Thr450Ile; replaces threonine 450 with isoleucine.
Molecular consequence: missense variant.
Genome position (GRCh38, 1-based): chr5:36,976,256, C>T. VCF-style: chr5-36976256-C-T. GRCh37 (hg19) VCF-style: chr5-36976358-C-T.
Other names: c.1349C>T, p.Thr450Ile (NM_015384.5); short protein forms T450I.
Identifiers: ClinVar variation 2180990 (VCV002180990.5), dbSNP rs759134070, ClinGen allele CA3236016.